The following is an entry in ClinVar:

NM_001283009.2(RTEL1):c.3092C>T (p.Pro1031Leu)

Genes: RTEL1 (regulator of telomere elongation helicase 1; plus strand), RTEL1-TNFRSF6B (RTEL1-TNFRSF6B readthrough (NMD candidate); plus strand). Cytogenetic location: 20q13.33.
Variant type: single nucleotide variant.
Coding change: c.3092C>T on transcript NM_001283009.2 (MANE Select); coding-DNA position 3092, C replaced by T.
Protein change: p.Pro1031Leu; replaces proline 1031 with leucine.
Molecular consequence: missense variant. On other transcripts: non-coding transcript variant (1).
Genome position (GRCh38, 1-based): chr20:63,694,471, C>T. VCF-style: chr20-63694471-C-T. GRCh37 (hg19) VCF-style: chr20-62325824-C-T.
Other names: c.2423C>T, p.Pro808Leu (NM_001283010.1); c.3092C>T, p.Pro1031Leu (NM_016434.4); c.3164C>T, p.Pro1055Leu (NM_032957.5); short protein forms P1031L, P1055L, P808L.
Identifiers: ClinVar variation 2417131 (VCV002417131.3), dbSNP rs939781348, ClinGen allele CA317527263.

ClinVar aggregate classification (germline): Uncertain significance. Review status: criteria provided, multiple submitters, no conflicts (2 of 4 stars). 2 submissions from 2 submitters: Uncertain significance (2). Last evaluated 2024-11-25.

Conditions:
Dyskeratosis congenita, autosomal recessive 5 (DKCB5). Identifiers: MedGen C3554656, MONDO:0014076, OMIM 615190.
Pulmonary fibrosis and/or bone marrow failure, Telomere-related, 3. Also called: PULMONARY FIBROSIS AND/OR BONE MARROW FAILURE SYNDROME, TELOMERE-RELATED, 3. Identifiers: Orphanet 2032, MedGen C4225346, MONDO:0014613, OMIM 616373.
Inborn genetic diseases. Identifiers: MedGen C0950123, MeSH D030342.

Allele frequency attached by ClinVar (database versions not stated): TOPMed below 0.00001.
gnomAD v4.1: 14 of 1,600,410 alleles (0.00087%); highest among the groups gnomAD compares: Non-Finnish European, 0.0012%; no homozygotes.

Submissions (2):

Ambry Genetics
Classification: Uncertain significance for Inborn genetic diseases. Last evaluated: 2024-11-25. Review status: criteria provided, single submitter. Criteria: Ambry Variant Classification Scheme 2023. Collection method: clinical testing. Allele origin: germline.
Comment: The p.P1031L variant (also known as c.3092C>T), located in coding exon 30 of the RTEL1 gene, results from a C to T substitution at nucleotide position 3092. The proline at codon 1031 is replaced by leucine, an amino acid with similar properties. This amino acid position is conserved. In addition, this alteration is predicted to be tolerated by in silico analysis. Based on the available evidence, the clinical significance of this variant remains unclear.

Labcorp Genetics (formerly Invitae), Labcorp
Classification: Uncertain significance for Dyskeratosis congenita, autosomal recessive 5; Pulmonary fibrosis and/or bone marrow failure, Telomere-related, 3. Last evaluated: 2022-09-05. Review status: criteria provided, single submitter. Criteria: Invitae Variant Classification Sherloc (09022015). Collection method: clinical testing. Allele origin: germline.
Comment: This sequence change replaces proline, which is neutral and non-polar, with leucine, which is neutral and non-polar, at codon 1031 of the RTEL1 protein (p.Pro1031Leu). This variant is present in population databases (no rsID available, gnomAD 0.002%). This variant has not been reported in the literature in individuals affected with RTEL1-related conditions. Algorithms developed to predict the effect of missense changes on protein structure and function (SIFT, PolyPhen-2, Align-GVGD) all suggest that this variant is likely to be tolerated. In summary, the available evidence is currently insufficient to determine the role of this variant in disease. Therefore, it has been classified as a Variant of Uncertain Significance.